The following is an entry in ClinVar:

NM_005263.5(GFI1):c.299-5del

Gene: GFI1 (growth factor independent 1 transcriptional repressor; minus strand). Cytogenetic location: 1p22.1.
Variant type: Deletion.
Coding change: c.299-5del on transcript NM_005263.5 (MANE Select); 5 bases into the intron before coding-DNA position 299, one base deleted (C; older notation c.299-5delC).
Molecular consequence: intron variant.
Genome position (GRCh38, 1-based): chr1:92,481,093, G deleted on the plus strand (C on the coding strand, the reverse complement: GFI1 is on the minus strand); the first of 2 consecutive G bases (chr1:92,481,093-92,481,094); deleting either gives the same sequence. VCF-style (leftmost placement, unchanged base first): chr1-92481092-TG-T. GRCh37 (hg19) VCF-style: chr1-92946649-TG-T.
Other names: c.299-5del (NM_001127216.3, NM_001127215.3).
Identifiers: ClinVar variation 2719847 (VCV002719847.3), dbSNP rs2524729271, ClinGen allele CA2646584446.
Genomic context (GRCh38, chr1:92,481,092, plus strand): 5'-AAGGCAGGGGGAAGGGCTGGGCTTCGTCCAGCGATGGGCACATTGACTTCTCCGAGGCTG[TG>T]GAGGCACAAGGGGAGCGTCCGGTCAGGCTTCAGACGGCAGAGCGGAGGCCGCCGGGCTGC-3'

ClinVar aggregate classification (germline): Uncertain significance (1 of 4 stars; one submission).

Conditions:
Neutropenia, severe congenital, 2, autosomal dominant. Identifiers: Orphanet 486, MedGen C2751288, MONDO:0013139, OMIM 613107.

Submission:

Labcorp Genetics (formerly Invitae), Labcorp
Classification: Uncertain significance for Neutropenia, severe congenital, 2, autosomal dominant. Last evaluated: 2024-07-08. Review status: criteria provided, single submitter. Criteria: Invitae Variant Classification Sherloc (09022015). Collection method: clinical testing. Allele origin: germline.
Comment: This sequence change falls in intron 3 of the GFI1 gene. It does not directly change the encoded amino acid sequence of the GFI1 protein. This variant is not present in population databases (gnomAD no frequency). This variant has not been reported in the literature in individuals affected with GFI1-related conditions. Algorithms developed to predict the effect of sequence changes on RNA splicing suggest that this variant may disrupt the consensus splice site. In summary, the available evidence is currently insufficient to determine the role of this variant in disease. Therefore, it has been classified as a Variant of Uncertain Significance.